The following is an entry in ClinVar:

NM_004104.5(FASN):c.4544G>A (p.Arg1515His)

Gene: FASN (fatty acid synthase; minus strand). Cytogenetic location: 17q25.3.
Variant type: single nucleotide variant.
Coding change: c.4544G>A on transcript NM_004104.5 (MANE Select); coding-DNA position 4544, G replaced by A.
Protein change: p.Arg1515His; replaces arginine 1515 with histidine.
Molecular consequence: missense variant.
Genome position (GRCh38, 1-based): chr17:82,084,819, C>T on the plus strand (G>A on the coding strand, the complement: FASN is on the minus strand). VCF-style: chr17-82084819-C-T. GRCh37 (hg19) VCF-style: chr17-80042695-C-T.
Other names: short protein forms R1515H.
Identifiers: ClinVar variation 949623 (VCV000949623.9), dbSNP rs1037856079, ClinGen allele CA295129445.

ClinVar aggregate classification (germline): Uncertain significance (1 of 4 stars; one submission).

Conditions:
Epileptic encephalopathy. Identifiers: MedGen C0543888, HP:0200134.

Allele frequency attached by ClinVar (database versions not stated): gnomAD exomes 0.00001; TOPMed 0.00001; gnomAD 0.00002.
gnomAD v4.1: 21 of 1,550,134 alleles (0.0014%); highest among the groups gnomAD compares: Non-Finnish European, 0.0017%; no homozygotes.

Submission:

Labcorp Genetics (formerly Invitae), Labcorp
Classification: Uncertain significance for Epileptic encephalopathy. Last evaluated: 2024-10-15. Review status: criteria provided, single submitter. Criteria: Invitae Variant Classification Sherloc (09022015). Collection method: clinical testing. Allele origin: germline.
Comment: This sequence change replaces arginine, which is basic and polar, with histidine, which is basic and polar, at codon 1515 of the FASN protein (p.Arg1515His). The frequency data for this variant in the population databases is considered unreliable, as metrics indicate poor data quality at this position in the gnomAD database. This variant has not been reported in the literature in individuals affected with FASN-related conditions. ClinVar contains an entry for this variant (Variation ID: 949623). An algorithm developed to predict the effect of missense changes on protein structure and function (PolyPhen-2) suggests that this variant is likely to be tolerated. In summary, the available evidence is currently insufficient to determine the role of this variant in disease. Therefore, it has been classified as a Variant of Uncertain Significance.